The following is an entry in ClinVar:

NM_000388.4(CASR):c.1108G>A (p.Val370Met)

Gene: CASR (calcium sensing receptor; plus strand). Cytogenetic location: 3q21.1.
Variant type: single nucleotide variant.
Coding change: c.1108G>A on transcript NM_000388.4 (MANE Select); coding-DNA position 1108, G replaced by A.
Protein change: p.Val370Met; replaces valine 370 with methionine.
Molecular consequence: missense variant.
Genome position (GRCh38, 1-based): chr3:122,262,143, G>A. VCF-style: chr3-122262143-G-A. GRCh37 (hg19) VCF-style: chr3-121980990-G-A.
Other names: c.1108G>A, p.Val370Met (NM_001178065.2); short protein forms V370M.
Identifiers: ClinVar variation 848992 (VCV000848992.13), dbSNP rs2074634164, ClinGen allele CA354152604.

ClinVar aggregate classification (germline): Conflicting classifications of pathogenicity. Review status: criteria provided, conflicting classifications (1 of 4 stars). 3 submissions from 3 submitters: Uncertain significance (1); Likely benign (2). Last evaluated 2025-06-23.

Conditions:
Familial hypocalciuric hypercalcemia (FHH). Also called: Familial benign hypercalcemia. Identifiers: Orphanet 405, MedGen C1809471, MONDO:0018458.
Autosomal dominant hypocalcemia 1 (HYPOC1). Also called: HYPOCALCEMIA, FAMILIAL. Identifiers: MedGen C3715128, MONDO:0011013, OMIM 601198.
Nephrolithiasis/nephrocalcinosis. Identifiers: MedGen CN580796.

Submissions (3):

Labcorp Genetics (formerly Invitae), Labcorp
Classification: Likely benign for Familial hypocalciuric hypercalcemia; Autosomal dominant hypocalcemia 1. Last evaluated: 2025-06-23. Review status: criteria provided, single submitter. Criteria: Invitae Variant Classification Sherloc (09022015). Collection method: clinical testing. Allele origin: germline.

GeneDx
Classification: Uncertain significance. Last evaluated: 2022-05-15. Review status: criteria provided, single submitter. Criteria: GeneDx Variant Classification Process June 2021. Collection method: clinical testing. Allele origin: germline. Affected: yes.
Comment: Not observed at significant frequency in large population cohorts (gnomAD); In silico analysis supports that this missense variant does not alter protein structure/function; Has not been previously published as pathogenic or benign to our knowledge

Ambry Genetics
Classification: Likely benign for Nephrolithiasis/nephrocalcinosis. Last evaluated: 2021-11-10. Review status: criteria provided, single submitter. Criteria: Ambry Variant Classification Scheme 2023. Collection method: clinical testing. Allele origin: germline.